The following is an entry in ClinVar:

NM_000059.4(BRCA2):c.9924C>G (p.Tyr3308Ter)

Gene: BRCA2 (BRCA2 DNA repair associated; plus strand). Cytogenetic location: 13q13.1.
Variant type: single nucleotide variant.
Coding change: c.9924C>G on transcript NM_000059.4 (MANE Select); coding-DNA position 9924, C replaced by G.
Protein change: p.Tyr3308Ter; replaces tyrosine 3308 with a stop codon.
Molecular consequence: nonsense.
Genome position (GRCh38, 1-based): chr13:32,398,437, C>G. VCF-style: chr13-32398437-C-G. GRCh37 (hg19) VCF-style: chr13-32972574-C-G.
Other names: 10152C>G; short protein forms Y3308*.
Identifiers: ClinVar variation 52916 (VCV000052916.40), dbSNP rs4987049, ClinGen allele CA026332.

ClinVar aggregate classification (germline): Pathogenic. Review status: reviewed by expert panel (3 of 4 stars). 19 submissions from 19 submitters: Pathogenic (1). 18 of the submissions do not count toward it. Last evaluated 2016-04-22.

Conditions:
Inherited breast cancer and ovarian cancer.
BRCA2-related disorder. Also called: BRCA2-related condition; BRCA2-related disorders. Identifiers: MedGen CN239275.
Breast and/or ovarian cancer. Identifiers: MedGen CN221562.
Hereditary cancer-predisposing syndrome. Also called: Hereditary Cancer Syndrome; Neoplastic Syndromes, Hereditary; Hereditary neoplastic syndrome; Tumor predisposition. Identifiers: Orphanet 140162, MedGen C0027672, MeSH D009386, MONDO:0015356.
Hereditary breast ovarian cancer syndrome. Also called: Hereditary breast and ovarian cancer syndrome; Breast and ovarian cancer; BRCA1- and BRCA2-Associated Hereditary Breast and Ovarian Cancer; Hereditary breast and/or ovarian cancer syndrome; Hereditary breast and ovarian cancer; Hereditary breast and ovarian cancer syndrome (HBOC). Identifiers: Orphanet 145, MedGen C0677776, MeSH D061325, MONDO:0003582. Disease mechanism: loss of function.
Breast-ovarian cancer, familial, susceptibility to, 2 (BROVCA2). Also called: BRCA2 Hereditary Breast and Ovarian Cancer. Identifiers: Orphanet 145, MedGen C2675520, MONDO:0012933, OMIM 612555. Disease mechanism: loss of function.
Familial cancer of breast. Also called: hereditary breast carcinoma; BREAST CANCER, FAMILIAL; Hereditary breast cancer. Identifiers: Orphanet 227535, MedGen C0346153, MONDO:0016419, OMIM 114480. Disease mechanism: loss of function.
Malignant tumor of breast. Also called: Malignant breast neoplasm; Cancer breast. Identifiers: MedGen C0006142, MONDO:0007254. Disease mechanism: loss of function.

gnomAD v4.1: 4 of 1,614,022 alleles (0.00025%); highest among the groups gnomAD compares: Admixed American, 0.0017%; no homozygotes.

Submissions 1 to 9 of 19:

Evidence-based Network for the Interpretation of Germline Mutant Alleles (ENIGMA)
Classification: Pathogenic for Breast-ovarian cancer, familial, susceptibility to, 2. Last evaluated: 2016-04-22. Review status: reviewed by expert panel. Criteria: ENIGMA BRCA1/2 Classification Criteria (2015). Collection method: curation. Allele origin: germline.
Comment: Variant allele predicted to encode a truncated non-functional protein.

Labcorp Genetics (formerly Invitae), Labcorp
Classification: Pathogenic for Hereditary breast ovarian cancer syndrome. Last evaluated: 2026-01-20. Review status: criteria provided, single submitter. Criteria: Invitae Variant Classification Sherloc (09022015). Collection method: clinical testing. Allele origin: germline. Not counted in ClinVar's aggregate classification.
Comment: This sequence change creates a premature translational stop signal (p.Tyr3308*) in the BRCA2 gene. While this is not anticipated to result in nonsense mediated decay, it is expected to disrupt the last 111 amino acid(s) of the BRCA2 protein. This variant is present in population databases (rs4987049, gnomAD 0.002%). This premature translational stop signal has been observed in individual(s) with breast cancer, colorectal cancer, and/or ovarian cancer (PMID: 17026620, 22711857). This variant is also known as 10152C>G. ClinVar contains an entry for this variant (Variation ID: 52916). Algorithms developed to predict the effect of variants on gene product structure and function are not available or were not evaluated for this variant. Experimental studies have shown that this premature translational stop signal affects BRCA2 function (PMID: 18593900, 18607349). For these reasons, this variant has been classified as Pathogenic.

Color Diagnostics, LLC DBA Color Health
Classification: Pathogenic for Hereditary cancer-predisposing syndrome. Last evaluated: 2025-12-15. Review status: criteria provided, single submitter. Criteria: ACMG Guidelines, 2015. Collection method: clinical testing. Allele origin: germline. Not counted in ClinVar's aggregate classification.
Comment: This variant creates a nonsense mutation in exon 27 of the BRCA2 gene, creating a premature translation stop signal that is predicted to truncate the TR2/RAD51 binding domain and a nuclear localization signal. This variant is expected to result in a non-functional protein product. Functional studies reported this variant to be abnormal in RAD51 foci formation, sensitivity to DNA damaging agents, and chromosomal aberration assays in complementation of human and mouse BRCA2-deficient cells (PMID: 18593900, 18607349, 33293522). This variant has also been detected in individuals affected with breast cancer (PMID: 9145678, 17026620, 18497862Color internal data) and ovarian cancer (PMID: 22711857Color internal data). Multifactorial analysis reached a combined likelihood ratio (LR) of 237.273 based on breast cancer case-control data and the personal and family history for 4 carriers (PMID: 31853058, 40413188). This variant has been identified in 4/1614022 chromosomes in the general population by the Genome Aggregation Database (gnomAD). Based on the available evidence, this variant is classified as Pathogenic.

PreventionGenetics, part of Exact Sciences
Classification: Pathogenic for BRCA2-related condition. Last evaluated: 2025-04-09. Review status: criteria provided, single submitter. Criteria: ACMG Guidelines, 2015. Collection method: clinical testing. Allele origin: germline. Not counted in ClinVar's aggregate classification.
Comment: The BRCA2 c.9924C>G variant is predicted to result in premature protein termination (p.Tyr3308*). This variant is alternatively referred to as 10152C>G using legacy nomenclature. This variant has been reported in multiple individuals with breast cancer (Naseem et al. 2006. PubMed ID: 17026620; Supplementary table 3, Palmer et al. 2020. PubMed ID: 32427313; Murali et al. 2021. PubMed ID: 34399810) and ovarian cancer (Supplemental table 2, Alsop et al. 2012. PubMed ID: 22711857; Table S7, Lilyquist et al. 2017. PubMed ID: 28888541), with a consistent phenotype in various ethnicities (Biswas et al. 2012. PubMed ID: 22678057; Supplementary Table 1, Rebbeck et al. 2018. PubMed ID: 29446198; Elimam et al. 2022. PubMed ID: 28814288). Functional studies consistently show that this variant significantly impacts protein function (Hucl et al. 2008. PubMed ID: 18593900; Kuznetsov et al. 2008. PubMed ID: 18607349; Li et al. 2023. PubMed ID: 37488236). This variant is reported in 0.0018% of alleles in individuals of European (non-Finnish) descent in gnomAD. Nonsense variants in BRCA2 are expected to be pathogenic. This variant is interpreted as pathogenic by the Evidence-based Network for the Interpretation of Germline Mutant Alleles Variant Curation Expert panel in ClinVar. This variant is interpreted as pathogenic.

Ambry Genetics
Classification: Pathogenic for Hereditary cancer-predisposing syndrome. Last evaluated: 2025-01-27. Review status: criteria provided, single submitter. Criteria: Ambry Variant Classification Scheme 2023. Collection method: clinical testing. Allele origin: germline. Not counted in ClinVar's aggregate classification.
Comment: The p.Y3308* pathogenic mutation (also known as c.9924C>G), located in coding exon 26 of the BRCA2 gene, results from a C to G substitution at nucleotide position 9924. This changes the amino acid from a tyrosine to a stop codon within coding exon 26. This alteration occurs at the 3' terminus of theBRCA2 gene, is not expected to trigger nonsense-mediated mRNA decay, and impacts the last 111 amino acids of the protein. However, premature stop codons are typically deleterious in nature and the impacted region is critical for protein function (Ambry internal data). This alteration has been identified in individuals diagnosed with breast and/or ovarian cancer (Naseem H et al. Clin. Genet. 2006 Nov;70:388-95; Alsop K et al. J Clin Oncol, 2012 Jul;30:2654-63; Palmer JR et al. J Natl Cancer Inst, 2020 12;112:1213-1221). Functional studies have demonstrated that this mutation has reduced cell viability, sensitivity to DNA damaging drugs, and diminished RAD51 focus formation (Kuznetsov SG et al. Nat. Med. 2008 Aug;14:875-81; Hucl T et al. Cancer Res. 2008 Jul;68:5023-30). This alteration is also known as 10152C>G in published literature. Based on the supporting evidence, this alteration is interpreted as a disease-causing mutation.

Genomics and Molecular Medicine Service, East Genomic Laboratory Hub, NHS Genomic Medicine Service
Classification: Pathogenic for Inherited breast cancer and ovarian cancer. Last evaluated: 2024-10-15. Review status: criteria provided, single submitter. Criteria: ACGS Best Practice Guidelines for Variant Classification in Rare Disease 2020. Collection method: clinical testing. Allele origin: germline. Affected: yes. Not counted in ClinVar's aggregate classification.
Comment: PVS1,PM5_Strong

Women's Health and Genetics/Laboratory Corporation of America, LabCorp
Classification: Pathogenic for Hereditary breast ovarian cancer syndrome. Last evaluated: 2024-08-27. Review status: criteria provided, single submitter. Criteria: LabCorp Variant Classification Summary - May 2015. Collection method: clinical testing. Allele origin: germline. Not counted in ClinVar's aggregate classification.
Comment: Variant summary: BRCA2 c.9924C>G (p.Tyr3308X) results in a premature termination codon, predicted to cause a truncation of the encoded protein or absence of the protein due to nonsense mediated decay, which are commonly known mechanisms for disease. The variant allele was found at a frequency of 8e-06 in 251252 control chromosomes. c.9924C>G has been reported in the literature in multiple individuals affected with Hereditary Breast And Ovarian Cancer Syndrome (e.g. Alsop_2012, Krainer_1999, Offit_2002). These data indicate that the variant is very likely to be associated with disease. At least one publication reports experimental evidence evaluating an impact on protein function. The most pronounced variant effect results in defective homologous recombination (e.g. Kuznetsov_2008). The following publications have been ascertained in the context of this evaluation (PMID: 14559878, 22711857, 18607349, 24323938, 22678057, 18593900, 9145678). ClinVar contains an entry for this variant (Variation ID: 52916). Based on the evidence outlined above, the variant was classified as pathogenic.

Blueprint Genetics
Classification: Pathogenic for BRCA2-related disorders. Last evaluated: 2024-06-10. Review status: criteria provided, single submitter. Criteria: ACMG Guidelines, 2015. Collection method: clinical testing. Allele origin: germline. Affected: yes. Observed: 4 variant alleles. Not counted in ClinVar's aggregate classification.

Baylor Genetics
Classification: Pathogenic for Familial cancer of breast. Last evaluated: 2023-08-18. Review status: criteria provided, single submitter. Criteria: ACMG Guidelines, 2015. Collection method: clinical testing. Allele origin: unknown. Not counted in ClinVar's aggregate classification.